The following is an entry in ClinVar:

NM_000709.4(BCKDHA):c.978C>T (p.Ile326=)

Gene: BCKDHA (branched chain keto acid dehydrogenase E1 subunit alpha; plus strand). Cytogenetic location: 19q13.2.
Variant type: single nucleotide variant.
Coding change: c.978C>T on transcript NM_000709.4 (MANE Select); coding-DNA position 978, C replaced by T.
Protein change: p.Ile326=; no amino-acid change (isoleucine 326 retained).
Molecular consequence: synonymous variant.
Genome position (GRCh38, 1-based): chr19:41,422,753, C>T. VCF-style: chr19-41422753-C-T. GRCh37 (hg19) VCF-style: chr19-41928658-C-T.
Other names: c.975C>T, p.Ile325= (NM_001164783.2).
Identifiers: ClinVar variation 93384 (VCV000093384.19), dbSNP rs398123514, ClinGen allele CA221232.
Genomic context (GRCh38, chr19:41,422,753, plus strand): 5'-ATACAACGCCACAAAGGAGGCCCGACGGCGGGCTGTGGCAGAGAACCAGCCCTTCCTCAT[C>T]GAGGCCATGACCTACAGGTGCCTGCCGCTCCCCCCGTCAGCACCCCCACAGCACTGACAG-3'
Protein context (NP_000700.1, residues 316-336): RAVAENQPFL[Ile326=]EAMTYRIGHH

ClinVar aggregate classification (germline): Conflicting classifications of pathogenicity. Review status: criteria provided, conflicting classifications (1 of 4 stars). 6 submissions from 6 submitters: Uncertain significance (1); Likely benign (4). 1 of the submissions does not count toward it. Last evaluated 2025-12-27.

Conditions:
Inborn genetic diseases. Identifiers: MedGen C0950123, MeSH D030342.
Maple syrup urine disease (MSUD). Identifiers: Orphanet 511, MedGen C0024776, MeSH D008375, MONDO:0009563. Disease mechanism: loss of function.
Maple syrup urine disease type 1A (MSUD1A). Also called: MSUD type 1A. Identifiers: MedGen C1855369, MONDO:0023691, OMIM 248600.

Allele frequency attached by ClinVar (database versions not stated): TOPMed 0.00002; gnomAD 0.00006; ExAC 0.00002.
gnomAD v4.1: 30 of 1,613,524 alleles (0.0019%); highest among the groups gnomAD compares: East Asian, 0.0089%; no homozygotes.

Submissions (6):

Labcorp Genetics (formerly Invitae), Labcorp
Classification: Likely benign for Maple syrup urine disease. Last evaluated: 2025-12-27. Review status: criteria provided, single submitter. Criteria: Invitae Variant Classification Sherloc (09022015). Collection method: clinical testing. Allele origin: germline.

Ambry Genetics
Classification: Likely benign for Inborn genetic diseases. Last evaluated: 2025-10-27. Review status: criteria provided, single submitter. Criteria: Ambry Variant Classification Scheme 2023. Collection method: clinical testing. Allele origin: germline.

Genome-Nilou Lab
Classification: Likely benign for Maple syrup urine disease type 1A. Last evaluated: 2021-11-07. Review status: criteria provided, single submitter. Criteria: ACMG Guidelines, 2015. Collection method: clinical testing. Allele origin: germline. Affected: no.

GeneDx
Classification: Likely benign. Last evaluated: 2017-01-11. Review status: criteria provided, single submitter. Criteria: GeneDx Variant Classification (06012015). Collection method: clinical testing. Allele origin: germline. Affected: yes.
Comment: This variant is considered likely benign or benign based on one or more of the following criteria: it is a conservative change, it occurs at a poorly conserved position in the protein, it is predicted to be benign by multiple in silico algorithms, and/or has population frequency not consistent with disease.

Eurofins Ntd Llc (ga)
Classification: Uncertain significance. Last evaluated: 2013-09-03. Review status: criteria provided, single submitter. Criteria: EGL Classification Definitions 2015. Collection method: clinical testing. Allele origin: germline. Observed: 1 variant allele, 1 heterozygote.

Natera, Inc.
Classification: Likely benign for Maple syrup urine disease type 1A. Last evaluated: 2020-02-27. Review status: no assertion criteria provided. Collection method: clinical testing. Allele origin: germline. Not counted in ClinVar's aggregate classification.